The following is an entry in ClinVar:

NM_004618.5(TOP3A):c.43C>G (p.Arg15Gly)

Genes: TOP3A (DNA topoisomerase III alpha; minus strand), LOC130060427 (ATAC-STARR-seq lymphoblastoid active region 11836; plus strand). Cytogenetic location: 17p11.2.
Variant type: single nucleotide variant.
Coding change: c.43C>G on transcript NM_004618.5 (MANE Select); coding-DNA position 43, C replaced by G.
Protein change: p.Arg15Gly; replaces arginine 15 with glycine.
Molecular consequence: missense variant. On other transcripts: 5 prime UTR variant (1).
Genome position (GRCh38, 1-based): chr17:18,314,736, G>C on the plus strand (C>G on the coding strand, the complement: TOP3A is on the minus strand). VCF-style: chr17-18314736-G-C. GRCh37 (hg19) VCF-style: chr17-18218050-G-C.
Other names: c.-169C>G (NM_001320759.2); short protein forms R15G.
Identifiers: ClinVar variation 1946182 (VCV001946182.5), dbSNP rs373981678, ClinGen allele CA8430369.

ClinVar aggregate classification (germline): Uncertain significance (1 of 4 stars; one submission).

gnomAD v4.1: 12 of 1,580,056 alleles (0.00076%); highest among the groups gnomAD compares: Non-Finnish European, 0.001%; no homozygotes.

Submission:

Labcorp Genetics (formerly Invitae), Labcorp
Classification: Uncertain significance. Last evaluated: 2022-05-27. Review status: criteria provided, single submitter. Criteria: Invitae Variant Classification Sherloc (09022015). Collection method: clinical testing. Allele origin: germline.
Comment: This sequence change replaces arginine, which is basic and polar, with glycine, which is neutral and non-polar, at codon 15 of the TOP3A protein (p.Arg15Gly). This variant is present in population databases (rs373981678, gnomAD 0.003%). This variant has not been reported in the literature in individuals affected with TOP3A-related conditions. Algorithms developed to predict the effect of missense changes on protein structure and function output the following: SIFT: "Not Available"; PolyPhen-2: "Benign"; Align-GVGD: "Not Available". The glycine amino acid residue is found in multiple mammalian species, which suggests that this missense change does not adversely affect protein function. In summary, the available evidence is currently insufficient to determine the role of this variant in disease. Therefore, it has been classified as a Variant of Uncertain Significance.